The following is an entry in ClinVar:

NM_000264.5(PTCH1):c.2936A>T (p.Asn979Ile)

Gene: PTCH1 (patched 1; minus strand). Cytogenetic location: 9q22.32.
Variant type: single nucleotide variant.
Coding change: c.2936A>T on transcript NM_000264.5 (MANE Select); coding-DNA position 2936, A replaced by T.
Protein change: p.Asn979Ile; replaces asparagine 979 with isoleucine.
Molecular consequence: missense variant. On other transcripts: non-coding transcript variant (1).
Genome position (GRCh38, 1-based): chr9:95,458,245, T>A on the plus strand (A>T on the coding strand, the complement: PTCH1 is on the minus strand). VCF-style: chr9-95458245-T-A. GRCh37 (hg19) VCF-style: chr9-98220527-T-A.
Other names: c.2738A>T, p.Asn913Ile (NM_001083602.3); c.2933A>T, p.Asn978Ile (NM_001083603.3); c.2483A>T, p.Asn828Ile (NM_001083604.3, NM_001083605.3, NM_001083606.3 and 1 more transcripts); c.2780A>T, p.Asn927Ile (NM_001354918.2); short protein forms N979I, N913I, N828I, N927I, N978I.
Identifiers: ClinVar variation 2854986 (VCV002854986.3), dbSNP rs758907408, ClinGen allele CA374112745.

ClinVar aggregate classification (germline): Uncertain significance (1 of 4 stars; one submission).

Conditions:
Gorlin syndrome. Also called: Nevoid Basal Cell Carcinoma Syndrome; Basal cell nevus syndrome. Identifiers: Orphanet 377, MedGen C0004779, MONDO:0007187.

Submission:

Labcorp Genetics (formerly Invitae), Labcorp
Classification: Uncertain significance for Gorlin syndrome. Last evaluated: 2023-04-19. Review status: criteria provided, single submitter. Criteria: Invitae Variant Classification Sherloc (09022015). Collection method: clinical testing. Allele origin: germline.
Comment: In summary, the available evidence is currently insufficient to determine the role of this variant in disease. Therefore, it has been classified as a Variant of Uncertain Significance. Advanced modeling of protein sequence and biophysical properties (such as structural, functional, and spatial information, amino acid conservation, physicochemical variation, residue mobility, and thermodynamic stability) performed at Invitae indicates that this missense variant is not expected to disrupt PTCH1 protein function. This variant has not been reported in the literature in individuals affected with PTCH1-related conditions. This variant is not present in population databases (gnomAD no frequency). This sequence change replaces asparagine, which is neutral and polar, with isoleucine, which is neutral and non-polar, at codon 979 of the PTCH1 protein (p.Asn979Ile).